The following is an entry in ClinVar:

NM_020732.3:c.1847A>T

Gene: ARID1B (AT-rich interaction domain 1B; plus strand).
Variant type: single nucleotide variant.
Other names: c.1847A>T (NM_020732.3).
Identifiers: ClinVar variation 4795688 (VCV004795688.1).

ClinVar aggregate classification (germline): Uncertain significance (1 of 4 stars; one submission).

Submission:

GeneDx
Classification: Uncertain significance. Last evaluated: 2025-08-08. Review status: criteria provided, single submitter. Criteria: GeneDx Variant Classification Process June 2021. Collection method: clinical testing. Allele origin: germline. Affected: yes.
Comment: Not observed at significant frequency in large population cohorts (gnomAD); In silico analysis supports that this missense variant has a deleterious effect on protein structure/function; Has not been previously published as pathogenic or benign to our knowledge